The following is an entry in ClinVar:

ClinVar aggregate classification (germline): Uncertain significance (1 of 4 stars; one submission).

gnomAD v4.1: 9 of 1,550,380 alleles (0.00058%); highest among the groups gnomAD compares: South Asian, 0.0012%; no homozygotes.

Submission:

Athena Diagnostics
Classification: Uncertain significance. Last evaluated: 2025-11-05. Review status: criteria provided, single submitter. Criteria: Athena Diagnostics Criteria. Collection method: clinical testing. Allele origin: unknown.
Comment: Available data are insufficient to determine the clinical significance of the variant at this time. This variant has not been reported in large, multi-ethnic general populations. Polyphen and MutationTaster yielded discordant predictions regarding whether this amino acid change is damaging to the protein.

NM_001244008.2(KIF1A):c.2686G>A (p.Asp896Asn)

Gene: KIF1A (kinesin family member 1A; minus strand). Cytogenetic location: 2q37.3.
Variant type: single nucleotide variant.
Coding change: c.2686G>A on transcript NM_001244008.2 (MANE Select); coding-DNA position 2686, G replaced by A.
Protein change: p.Asp896Asn; replaces aspartic acid 896 with asparagine.
Molecular consequence: missense variant. On other transcripts: intron variant (18).
Genome position (GRCh38, 1-based): chr2:240,757,491, C>T on the plus strand (G>A on the coding strand, the complement: KIF1A is on the minus strand). VCF-style: chr2-240757491-C-T. GRCh37 (hg19) VCF-style: chr2-241696908-C-T.
Other names: c.2761G>A, p.Asp921Asn (NM_001379631.1); c.2635G>A, p.Asp879Asn (NM_001379632.1); c.2659G>A, p.Asp887Asn (NM_001379633.1, NM_001379642.1, NM_001379645.1); c.2555+869G>A (NM_001379653.1, NM_001379650.1, NM_001379640.1 and 6 more transcripts); c.2657+869G>A (NM_001379635.1, NM_001330290.2, NM_001379646.1 and 1 more transcripts); c.2630+869G>A (NM_001379637.1, NM_001379648.1); c.2582+869G>A (NM_001320705.2, NM_001379638.1, NM_001330289.2); short protein forms D879N, D887N, D896N, D921N.
Identifiers: ClinVar variation 4682387 (VCV004682387.1).